The following is an entry in ClinVar:

NM_000179.3(MSH6):c.2123A>G (p.Glu708Gly)

Gene: MSH6 (mutS homolog 6; plus strand). Cytogenetic location: 2p16.3.
Variant type: single nucleotide variant.
Coding change: c.2123A>G on transcript NM_000179.3 (MANE Select); coding-DNA position 2123, A replaced by G.
Protein change: p.Glu708Gly; replaces glutamic acid 708 with glycine.
Molecular consequence: missense variant.
Genome position (GRCh38, 1-based): chr2:47,800,106, A>G. VCF-style: chr2-47800106-A-G. GRCh37 (hg19) VCF-style: chr2-48027245-A-G.
Other names: c.1733A>G, p.Glu578Gly (NM_001281492.2); c.1217A>G, p.Glu406Gly (NM_001281493.2, NM_001281494.2); short protein forms E406G, E578G, E708G.
Identifiers: ClinVar variation 970284 (VCV000970284.15), dbSNP rs1669422822, ClinGen allele CA346750997.
Genomic context (GRCh38, chr2:47,800,106, plus strand): 5'-TCTTCTACCTCAAAAAATGCCTTATTGATCAGGAGCTTTTATCAATGGCTAATTTTGAAG[A>G]ATATATTCCCTTGGATTCTGACACAGTCAGCACTACAAGATCTGGTGCTATCTTCACCAA-3'
Protein context (NP_000170.1, residues 698-718): QELLSMANFE[Glu708Gly]YIPLDSDTVS

ClinVar aggregate classification (germline): Uncertain significance. Review status: criteria provided, multiple submitters, no conflicts (2 of 4 stars). 3 submissions from 3 submitters: Uncertain significance (3). Last evaluated 2025-06-09.

Conditions:
Hereditary nonpolyposis colorectal neoplasms. Identifiers: MedGen C0009405, MeSH D003123.
Endometrial carcinoma. Also called: Endometrial carcinoma, somatic. Identifiers: MedGen C0476089, MONDO:0002447, OMIM 608089, HP:0012114.
Hereditary cancer-predisposing syndrome. Also called: Neoplastic Syndromes, Hereditary; Hereditary Cancer Syndrome; Tumor predisposition; Hereditary neoplastic syndrome. Identifiers: Orphanet 140162, MedGen C0027672, MeSH D009386, MONDO:0015356.

Allele frequency attached by ClinVar (database versions not stated): TOPMed below 0.00001.

Submissions (3):

Labcorp Genetics (formerly Invitae), Labcorp
Classification: Uncertain significance for Hereditary nonpolyposis colorectal neoplasms. Last evaluated: 2025-06-09. Review status: criteria provided, single submitter. Criteria: Invitae Variant Classification Sherloc (09022015). Collection method: clinical testing. Allele origin: germline.
Comment: This sequence change replaces glutamic acid, which is acidic and polar, with glycine, which is neutral and non-polar, at codon 708 of the MSH6 protein (p.Glu708Gly). This variant is not present in population databases (gnomAD no frequency). This variant has not been reported in the literature in individuals affected with MSH6-related conditions. ClinVar contains an entry for this variant (Variation ID: 970284). Invitae Evidence Modeling of protein sequence and biophysical properties (such as structural, functional, and spatial information, amino acid conservation, physicochemical variation, residue mobility, and thermodynamic stability) indicates that this missense variant is not expected to disrupt MSH6 protein function with a negative predictive value of 95%. In summary, the available evidence is currently insufficient to determine the role of this variant in disease. Therefore, it has been classified as a Variant of Uncertain Significance.

Ambry Genetics
Classification: Uncertain significance for Hereditary cancer-predisposing syndrome. Last evaluated: 2024-04-25. Review status: criteria provided, single submitter. Criteria: Ambry Variant Classification Scheme 2023. Collection method: clinical testing. Allele origin: germline.
Comment: The p.E708G variant (also known as c.2123A>G), located in coding exon 4 of the MSH6 gene, results from an A to G substitution at nucleotide position 2123. The glutamic acid at codon 708 is replaced by glycine, an amino acid with similar properties. This amino acid position is well conserved in available vertebrate species. In addition, the in silico prediction for this alteration is inconclusive. Since supporting evidence is limited at this time, the clinical significance of this alteration remains unclear.

Baylor Genetics
Classification: Uncertain significance for Endometrial carcinoma. Last evaluated: 2024-01-22. Review status: criteria provided, single submitter. Criteria: ACMG Guidelines, 2015. Collection method: clinical testing. Allele origin: unknown.